The following is an entry in ClinVar:

NM_199355.4(ADAMTS18):c.2507C>G (p.Pro836Arg)

Gene: ADAMTS18 (ADAM metallopeptidase with thrombospondin type 1 motif 18; minus strand). Cytogenetic location: 16q23.1.
Variant type: single nucleotide variant.
Coding change: c.2507C>G on transcript NM_199355.4 (MANE Select); coding-DNA position 2507, C replaced by G.
Protein change: p.Pro836Arg; replaces proline 836 with arginine.
Molecular consequence: missense variant.
Genome position (GRCh38, 1-based): chr16:77,319,874, G>C on the plus strand (C>G on the coding strand, the complement: ADAMTS18 is on the minus strand). VCF-style: chr16-77319874-G-C. GRCh37 (hg19) VCF-style: chr16-77353771-G-C.
Other names: c.1991C>G, p.Pro664Arg (NM_001326358.2); short protein forms P664R, P836R.
Identifiers: ClinVar variation 1364692 (VCV001364692.8), dbSNP rs1567478599, ClinGen allele CA396827201.

ClinVar aggregate classification (germline): Uncertain significance (1 of 4 stars; one submission).

Allele frequency attached by ClinVar (database versions not stated): TOPMed below 0.00001; gnomAD exomes below 0.00001.
gnomAD v4.1: 1 of 1,614,204 alleles (0.000062%); no homozygotes.

Submission:

Labcorp Genetics (formerly Invitae), Labcorp
Classification: Uncertain significance. Last evaluated: 2025-03-17. Review status: criteria provided, single submitter. Criteria: Invitae Variant Classification Sherloc (09022015). Collection method: clinical testing. Allele origin: germline.
Comment: This sequence change replaces proline, which is neutral and non-polar, with arginine, which is basic and polar, at codon 836 of the ADAMTS18 protein (p.Pro836Arg). This variant is not present in population databases (gnomAD no frequency). This variant has not been reported in the literature in individuals affected with ADAMTS18-related conditions. ClinVar contains an entry for this variant (Variation ID: 1364692). An algorithm developed to predict the effect of missense changes on protein structure and function (PolyPhen-2) suggests that this variant is likely to be disruptive. In summary, the available evidence is currently insufficient to determine the role of this variant in disease. Therefore, it has been classified as a Variant of Uncertain Significance.